The following is an entry in ClinVar:

ClinVar aggregate classification (germline): Uncertain significance (1 of 4 stars; one submission).

Conditions:
Neurodevelopmental disorder with hypotonia, dysmorphic facies, and skeletal anomalies, with or without seizures (NEDFSS). Also called: TRPM3-Related Neurodevelopmental Disorder. Identifiers: MedGen C5830244, MONDO:0859365, OMIM 620224.

Submission:

Diagnostics Services (NGS), CSIR - Centre For Cellular And Molecular Biology
Classification: Uncertain significance for Neurodevelopmental disorder with hypotonia, dysmorphic facies, and skeletal anomalies, with or without seizures. Last evaluated: 2025-12-19. Review status: criteria provided, single submitter. Criteria: ACMG Guidelines, 2015. Collection method: clinical testing. Allele origin: germline. Observed: 1 variant allele, 1 heterozygote.
Comment: The c.2201T>G variant is not present in 1000 Genomes, EVS, gnomAD, Indian Exome Database or our internal database. This variant has neither been published in literature in individuals affected with TRPM3-related conditions nor reported to the clinical databases like Human Genome Mutation Database (HGMD), ClinVar or OMIM, in any affected individuals. In-silico pathogenicity prediction programs like SIFT, Polyphen-2, MutationTaster2021, CADD, Franklin, etc predicted this variant to be likely deleterious however this prediction was not confirmed by published functional studies.

NM_001366145.2(TRPM3):c.2201T>G (p.Leu734Arg)

Gene: TRPM3 (transient receptor potential cation channel subfamily M member 3; minus strand). Cytogenetic location: 9q21.12.
Variant type: single nucleotide variant.
Coding change: c.2201T>G on transcript NM_001366145.2 (MANE Select); coding-DNA position 2201, T replaced by G.
Protein change: p.Leu734Arg; replaces leucine 734 with arginine.
Molecular consequence: missense variant.
Genome position (GRCh38, 1-based): chr9:70,619,024, A>C on the plus strand (T>G on the coding strand, the complement: TRPM3 is on the minus strand). VCF-style: chr9-70619024-A-C. GRCh37 (hg19) VCF-style: chr9-73233940-A-C.
Other names: c.2165T>G, p.Leu722Arg (NM_001007471.4, NM_001366151.2); c.2171T>G, p.Leu724Arg (NM_001366141.2, NM_001366143.2, NM_001366149.2); c.2207T>G, p.Leu736Arg (NM_001366142.2); c.2201T>G, p.Leu734Arg (NM_001366146.2); c.2276T>G, p.Leu759Arg (NM_001366147.2, NM_001366152.2); c.2246T>G, p.Leu749Arg (NM_001366148.2); c.2135T>G, p.Leu712Arg (NM_001366150.2); c.1742T>G, p.Leu581Arg (NM_001366154.2, NM_024971.7); and 5 more; short protein forms L559R, L569R, L571R, L581R, L584R, L594R, L712R, L722R.
Identifiers: ClinVar variation 4849727 (VCV004849727.1).
Genomic context (GRCh38, chr9:70,619,024, plus strand): 5'-GCAGCCACGGCAAGCTGCAGGCACGTGGCGTTGCTCCAGTTCTTCAGCTCATACGTCAGC[A>C]GTTTCATGGCCAGCTGTTCGTCCTGCTTGTAGGACTGGTCCAGGAGCTCCACAGCCAGCT-3'
Protein context (NP_001353074.1, residues 724-744): YKQDEQLAMK[Leu734Arg]LTYELKNWSN